The following is an entry in ClinVar:

NM_001382430.1(AKT1):c.1094A>T (p.Glu365Val)

Gene: AKT1 (AKT serine/threonine kinase 1; minus strand). Cytogenetic location: 14q32.33.
Variant type: single nucleotide variant.
Coding change: c.1094A>T on transcript NM_001382430.1 (MANE Select); coding-DNA position 1094, A replaced by T.
Protein change: p.Glu365Val; replaces glutamic acid 365 with valine.
Molecular consequence: missense variant.
Genome position (GRCh38, 1-based): chr14:104,772,956, T>A on the plus strand (A>T on the coding strand, the complement: AKT1 is on the minus strand). VCF-style: chr14-104772956-T-A. GRCh37 (hg19) VCF-style: chr14-105239293-T-A.
Other names: c.1094A>T, p.Glu365Val (NM_001014431.2, NM_001014432.2, NM_001382431.1 and 3 more transcripts); short protein forms E365V.
Identifiers: ClinVar variation 3224607 (VCV003224607.1), dbSNP rs2140901065, ClinGen allele CA391216833.
Genomic context (GRCh38, chr14:104,772,956, plus strand): 5'-TTGAGCAGCCCTGAAAGCAAGGACTTGGCCTCGGGACCAAGCGTGCGCGGGAAGCGGATC[T>A]CCTCCATGAGGATGAGCTCAAAAAGCTTCTCATGGTCCTGGTTGTAGAAGGGCAGGCGAC-3'
Protein context (NP_001369359.1, residues 355-375): EKLFELILME[Glu365Val]IRFPRTLGPE

ClinVar aggregate classification (germline): Uncertain significance (1 of 4 stars; one submission).

Conditions:
Inborn genetic diseases. Identifiers: MedGen C0950123, MeSH D030342.

Submission:

Ambry Genetics
Classification: Uncertain significance for Inborn genetic diseases. Last evaluated: 2023-10-01. Review status: criteria provided, single submitter. Criteria: Ambry Variant Classification Scheme 2023. Collection method: clinical testing. Allele origin: germline.
Comment: The p.E365V variant (also known as c.1094A>T), located in coding exon 10 of the AKT1 gene, results from an A to T substitution at nucleotide position 1094. The glutamic acid at codon 365 is replaced by valine, an amino acid with dissimilar properties. This amino acid position is conserved. In addition, this alteration is predicted to be tolerated by in silico analysis. Since supporting evidence is limited at this time, the clinical significance of this alteration remains unclear.